The following is an entry in ClinVar:

ClinVar aggregate classification (germline): Uncertain significance (1 of 4 stars; one submission).

Allele frequency attached by ClinVar (database versions not stated): gnomAD exomes below 0.00001.
gnomAD v4.1: 3 of 1,543,300 alleles (0.00019%); highest among the groups gnomAD compares: African/African-American, 0.0041%; no homozygotes.

Submission:

Labcorp Genetics (formerly Invitae), Labcorp
Classification: Uncertain significance. Last evaluated: 2022-11-01. Review status: criteria provided, single submitter. Criteria: Invitae Variant Classification Sherloc (09022015). Collection method: clinical testing. Allele origin: germline.
Comment: This sequence change replaces histidine, which is basic and polar, with glutamine, which is neutral and polar, at codon 1143 of the EYS protein (p.His1143Gln). This variant is not present in population databases (gnomAD no frequency). This variant has not been reported in the literature in individuals affected with EYS-related conditions. Algorithms developed to predict the effect of missense changes on protein structure and function (SIFT, PolyPhen-2, Align-GVGD) all suggest that this variant is likely to be tolerated. In summary, the available evidence is currently insufficient to determine the role of this variant in disease. Therefore, it has been classified as a Variant of Uncertain Significance.

NM_001142800.2(EYS):c.3429T>G (p.His1143Gln)

Gene: EYS (eyes shut homolog; minus strand). Cytogenetic location: 6q12.
Variant type: single nucleotide variant.
Coding change: c.3429T>G on transcript NM_001142800.2 (MANE Select); coding-DNA position 3429, T replaced by G.
Protein change: p.His1143Gln; replaces histidine 1143 with glutamine.
Molecular consequence: missense variant.
Genome position (GRCh38, 1-based): chr6:64,813,392, A>C on the plus strand (T>G on the coding strand, the complement: EYS is on the minus strand). VCF-style: chr6-64813392-A-C. GRCh37 (hg19) VCF-style: chr6-65523285-A-C.
Other names: c.3429T>G, p.His1143Gln (NM_001292009.2); short protein forms H1143Q.
Identifiers: ClinVar variation 2068301 (VCV002068301.1), dbSNP rs1764653542, ClinGen allele CA364786697.